The following is an entry in ClinVar:

NM_003190.5(TAPBP):c.128_180delinsCCGGACCTCGACCCTGAGGTGGATA (p.Gly43_Leu60delinsAlaGlyProArgProTer)

Gene: TAPBP (TAP binding protein; minus strand). Cytogenetic location: 6p21.32.
Variant type: Indel.
Coding change: c.128_180delinsCCGGACCTCGACCCTGAGGTGGATA on transcript NM_003190.5 (MANE Select); coding-DNA positions 128 to 180, the reference bases replaced by CCGGACCTCGACCCTGAGGTGGATA.
Protein change: p.Gly43_Leu60delinsAlaGlyProArgProTer.
Molecular consequence: nonsense. On other transcripts: frameshift variant (1).
Genome position (GRCh38, 1-based): chr6:33,313,722-33,313,774, 53 bases replaced. GRCh37 (hg19): chr6:33,281,499-33,281,551.
Other names: c.128_180del53insCCGGACCTCGACCCTGAGGTGGATA, p.Gly43Alafs (NM_001410875.1); c.128_180delinsCCGGACCTCGACCCTGAGGTGGATA, p.Gly43_Leu60delinsAlaGlyProArgProTer (NM_172208.3, NM_172209.3).
Identifiers: ClinVar variation 2050757 (VCV002050757.4), dbSNP rs2536781831, ClinGen allele CA2580074370.

ClinVar aggregate classification (germline): Uncertain significance (1 of 4 stars; one submission).

Conditions:
MHC class I deficiency. Identifiers: Orphanet 34592, MedGen C6024714, MONDO:0011476.

Submission:

Labcorp Genetics (formerly Invitae), Labcorp
Classification: Uncertain significance for MHC class I deficiency 1. Last evaluated: 2021-12-20. Review status: criteria provided, single submitter. Criteria: Invitae Variant Classification Sherloc (09022015). Collection method: clinical testing. Allele origin: germline.
Comment: This variant has not been reported in the literature in individuals affected with TAPBP-related conditions. This variant is not present in population databases (gnomAD no frequency). This sequence change creates a premature translational stop signal (p.Gly43Alafs*6) in the TAPBP gene. It is expected to result in an absent or disrupted protein product. However, the current clinical and genetic evidence is not sufficient to establish whether loss-of-function variants in TAPBP cause disease. Algorithms developed to predict the effect of sequence changes on RNA splicing suggest that this variant may create or strengthen a splice site. In summary, the available evidence is currently insufficient to determine the role of this variant in disease. Therefore, it has been classified as a Variant of Uncertain Significance.